The following is an entry in ClinVar:

ClinVar aggregate classification (germline): Likely benign. Review status: criteria provided, multiple submitters, no conflicts (2 of 4 stars). 2 submissions from 2 submitters: Likely benign (2). Last evaluated 2025-12-01.

Conditions:
Inborn genetic diseases. Identifiers: MedGen C0950123, MeSH D030342.

Allele frequency attached by ClinVar (database versions not stated): ExAC 0.00012; 1000 Genomes Project 30x 0.00016; 1000 Genomes Project 0.00020; TOPMed 0.00020; gnomAD exomes 0.00027; gnomAD 0.00030; ESP Exome Variant Server 0.00038.
gnomAD v4.1: 445 of 1,613,896 alleles (0.028%); highest among the groups gnomAD compares: Non-Finnish European, 0.035%; 2 homozygotes.

Submissions (2):

CeGaT Center for Human Genetics Tuebingen
Classification: Likely benign. Last evaluated: 2025-12-01. Review status: criteria provided, single submitter. Criteria: CeGaT Center For Human Genetics Tuebingen Variant Classification Criteria Version 2. Collection method: clinical testing. Allele origin: germline. Affected: yes. Observed: 1 variant allele.
Comment: ASH1L: PP2, BP4, BS2

Ambry Genetics
Classification: Likely benign for Inborn genetic diseases. Last evaluated: 2023-04-17. Review status: criteria provided, single submitter. Criteria: Ambry Variant Classification Scheme 2023. Collection method: clinical testing. Allele origin: germline.

NM_018489.3(ASH1L):c.8662G>A (p.Val2888Ile)

Gene: ASH1L (ASH1 like histone lysine methyltransferase; minus strand). Cytogenetic location: 1q22.
Variant type: single nucleotide variant.
Coding change: c.8662G>A on transcript NM_018489.3 (MANE Select); coding-DNA position 8662, G replaced by A.
Protein change: p.Val2888Ile; replaces valine 2888 with isoleucine.
Molecular consequence: missense variant.
Genome position (GRCh38, 1-based): chr1:155,338,230, C>T on the plus strand (G>A on the coding strand, the complement: ASH1L is on the minus strand). VCF-style: chr1-155338230-C-T. GRCh37 (hg19) VCF-style: chr1-155308021-C-T.
Other names: c.8677G>A, p.Val2893Ile (NM_001366177.2); short protein forms V2893I, V2888I.
Identifiers: ClinVar variation 2507815 (VCV002507815.7), dbSNP rs144063453, ClinGen allele CA1145819.
Genomic context (GRCh38, chr1:155,338,230, plus strand): 5'-GGGTACAGGTTGACTGGGGTTCTTGACTACTTTCCTCTGTTTTTTTTTCACCCTCACTGA[C>T]GTTAGCAGTGGCCCCTTCCCGTTCTGGCTCCTCCAGGCTGGGTATCTCATTGGCTGCTTG-3'
Protein context (NP_060959.2, residues 2878-2898): EPEREGATAN[Val2888Ile]SEGEKKTEES